The following is an entry in ClinVar:

ClinVar aggregate classification (germline): Pathogenic (1 of 4 stars; one submission).

Conditions:
Neurofibromatosis, type 1 (NF1). Also called: Neurofibromatosis, type I; VON RECKLINGHAUSEN DISEASE; Peripheral type neurofibromatosis; NEUROFIBROMATOSIS, TYPE I, SOMATIC. Identifiers: Orphanet 636, MedGen C0027831, MONDO:0018975, OMIM 162200. Disease mechanism: loss of function.

Submission:

Labcorp Genetics (formerly Invitae), Labcorp
Classification: Pathogenic for Neurofibromatosis, type 1. Last evaluated: 2019-12-19. Review status: criteria provided, single submitter. Criteria: Invitae Variant Classification Sherloc (09022015). Collection method: clinical testing. Allele origin: germline.
Comment: This variant is not present in population databases (ExAC no frequency). For these reasons, this variant has been classified as Pathogenic. Loss-of-function variants in NF1 are known to be pathogenic (PMID: 10712197, 23913538). This variant has not been reported in the literature in individuals with NF1-related conditions. This sequence change creates a premature translational stop signal (p.Lys2351Trpfs*7) in the NF1 gene. It is expected to result in an absent or disrupted protein product.

Literature cited by the submitters: PubMed 10712197; PubMed 23913538.

NM_001042492.3(NF1):c.7114_7133del (p.Lys2372fs)

Gene: NF1 (neurofibromin 1; plus strand). Cytogenetic location: 17q11.2.
Variant type: Deletion.
Coding change: c.7114_7133del on transcript NM_001042492.3 (MANE Select); coding-DNA positions 7114 to 7133, 20 bases deleted (AAGCAAATGGATCATTTTGT).
Protein change: p.Lys2372fs; shifts the reading frame from lysine 2372.
Molecular consequence: frameshift variant.
Genome position (GRCh38, 1-based): chr17:31,343,060-31,343,079, AAGCAAATGGATCATTTTGT deleted. VCF-style (leftmost placement, unchanged base first): chr17-31343059-CAAGCAAATGGATCATTTTGT-C. GRCh37 (hg19) VCF-style: chr17-29670077-CAAGCAAATGGATCATTTTGT-C.
Other names: c.7051_7070del20, p.Lys2351Trpfs (NM_000267.4); short protein forms K2351fs, K2372fs.
Identifiers: ClinVar variation 858867 (VCV000858867.7), dbSNP rs2069867622, ClinGen allele CA916080693.
Genomic context (GRCh38, chr17:31,343,059, plus strand): 5'-TCTTTAATAGAGTCCAGAGGAAGTATTTATGGCAATCCGGAATCCTCTGGAGTGGCACTG[CAAGCAAATGGATCATTTTGT>C]TGGACTCAATTTCAACTCTAACTTTAACTTTGCATTGGTTGGACACCTTTTAAAAGGTAA-3'